The following is an entry in ClinVar:

NM_017617.5(NOTCH1):c.4841A>T (p.Gln1614Leu)

Gene: NOTCH1 (notch receptor 1; minus strand). Cytogenetic location: 9q34.3.
Variant type: single nucleotide variant.
Coding change: c.4841A>T on transcript NM_017617.5 (MANE Select); coding-DNA position 4841, A replaced by T.
Protein change: p.Gln1614Leu; replaces glutamine 1614 with leucine.
Molecular consequence: missense variant.
Genome position (GRCh38, 1-based): chr9:136,504,850, T>A on the plus strand (A>T on the coding strand, the complement: NOTCH1 is on the minus strand). VCF-style: chr9-136504850-T-A. GRCh37 (hg19) VCF-style: chr9-139399302-T-A.
Other names: short protein forms Q1614L.
Identifiers: ClinVar variation 1743509 (VCV001743509.2), dbSNP rs1277460659, ClinGen allele CA375644736.

ClinVar aggregate classification (germline): Uncertain significance (1 of 4 stars; one submission).

Conditions:
Familial thoracic aortic aneurysm and aortic dissection (TAAD). Also called: Thoracic aortic aneurysms and dissections. Identifiers: Orphanet 91387, MedGen C4707243, MONDO:0019625.

gnomAD v4.1: 1 of 1,581,156 alleles (0.000063%); highest among the groups gnomAD compares: East Asian, 0.0023%; no homozygotes.

Submission:

Ambry Genetics
Classification: Uncertain significance for Familial thoracic aortic aneurysm and aortic dissection. Last evaluated: 2021-03-03. Review status: criteria provided, single submitter. Criteria: Ambry Variant Classification Scheme 2023. Collection method: clinical testing. Allele origin: germline.
Comment: The p.Q1614L variant (also known as c.4841A>T), located in coding exon 26 of the NOTCH1 gene, results from an A to T substitution at nucleotide position 4841. The glutamine at codon 1614 is replaced by leucine, an amino acid with dissimilar properties. This amino acid position is poorly conserved in available vertebrate species, and leucine is the reference amino acid in other vertebrate species. In addition, this alteration is predicted to be tolerated by in silico analysis. Since supporting evidence is limited at this time, the clinical significance of this alteration remains unclear.